The following is an entry in ClinVar:

ClinVar aggregate classification (germline): Uncertain significance (1 of 4 stars; one submission).

Conditions:
Inborn genetic diseases. Identifiers: MedGen C0950123, MeSH D030342.

gnomAD v4.1: 3 of 1,614,200 alleles (0.00019%); highest among the groups gnomAD compares: Admixed American, 0.005%; no homozygotes.

Submission:

Ambry Genetics
Classification: Uncertain significance for Inborn genetic diseases. Last evaluated: 2026-02-14. Review status: criteria provided, single submitter. Criteria: Ambry Variant Classification Scheme 2023. Collection method: clinical testing. Allele origin: germline.
Comment: The p.G216V variant (also known as c.647G>T), located in coding exon 6 of the PAX5 gene, results from a G to T substitution at nucleotide position 647. The glycine at codon 216 is replaced by valine, an amino acid with dissimilar properties. This amino acid position is conserved. In addition, this alteration is predicted to be deleterious by in silico analysis. Based on the available evidence, the clinical significance of this variant remains unclear.

NM_016734.3(PAX5):c.647G>T (p.Gly216Val)

Gene: PAX5 (paired box 5; minus strand). Cytogenetic location: 9p13.2.
Variant type: single nucleotide variant.
Coding change: c.647G>T on transcript NM_016734.3 (MANE Select); coding-DNA position 647, G replaced by T.
Protein change: p.Gly216Val; replaces glycine 216 with valine.
Molecular consequence: missense variant. On other transcripts: non-coding transcript variant (2).
Genome position (GRCh38, 1-based): chr9:36,966,682, C>A on the plus strand (G>T on the coding strand, the complement: PAX5 is on the minus strand). VCF-style: chr9-36966682-C-A. GRCh37 (hg19) VCF-style: chr9-36966679-C-A.
Other names: c.647G>T, p.Gly216Val (NM_001280547.2, NM_001280548.2, NM_001280549.2 and 2 more transcripts); c.323G>T, p.Gly108Val (NM_001280551.2, NM_001280556.2); c.518G>T, p.Gly173Val (NM_001280553.2, NM_001280554.2); c.449G>T, p.Gly150Val (NM_001280555.2); short protein forms G150V, G173V, G108V, G216V.
Identifiers: ClinVar variation 4825471 (VCV004825471.1).